The following is an entry in ClinVar:

NM_001376.5(DYNC1H1):c.3054C>G (p.Phe1018Leu)

Gene: DYNC1H1 (dynein cytoplasmic 1 heavy chain 1; plus strand). Cytogenetic location: 14q32.31.
Variant type: single nucleotide variant.
Coding change: c.3054C>G on transcript NM_001376.5 (MANE Select); coding-DNA position 3054, C replaced by G.
Protein change: p.Phe1018Leu; replaces phenylalanine 1018 with leucine.
Molecular consequence: missense variant.
Genome position (GRCh38, 1-based): chr14:101,994,222, C>G. VCF-style: chr14-101994222-C-G. GRCh37 (hg19) VCF-style: chr14-102460559-C-G.
Other names: short protein forms F1018L.
Identifiers: ClinVar variation 668355 (VCV000668355.1), dbSNP rs1595605066, ClinGen allele CA391032101.

ClinVar aggregate classification (germline): Likely benign (1 of 4 stars; one submission).

gnomAD v4.1: 1 of 1,614,222 alleles (0.000062%); highest among the groups gnomAD compares: Middle Eastern, 0.016%; no homozygotes.

Submission:

GeneDx
Classification: Likely benign. Last evaluated: 2018-05-21. Review status: criteria provided, single submitter. Criteria: GeneDx Variant Classification (06012015). Collection method: clinical testing. Allele origin: germline. Affected: yes.
Comment: This variant is considered likely benign or benign based on one or more of the following criteria: it is a conservative change, it occurs at a poorly conserved position in the protein, it is predicted to be benign by multiple in silico algorithms, and/or has population frequency not consistent with disease.